The following is an entry in ClinVar:

NM_138615.3(DHX30):c.2232G>C (p.Val744=)

Gene: DHX30 (DExH-box helicase 30; plus strand). Cytogenetic location: 3p21.31.
Variant type: single nucleotide variant.
Coding change: c.2232G>C on transcript NM_138615.3 (MANE Select); coding-DNA position 2232, G replaced by C.
Protein change: p.Val744=; no amino-acid change (valine 744 retained).
Molecular consequence: synonymous variant.
Genome position (GRCh38, 1-based): chr3:47,847,902, G>C. VCF-style: chr3-47847902-G-C. GRCh37 (hg19) VCF-style: chr3-47889392-G-C.
Other names: c.2148G>C, p.Val716= (NM_001330990.2); c.2115G>C, p.Val705= (NM_014966.4).
Identifiers: ClinVar variation 3051655 (VCV003051655.2), dbSNP rs34727372, ClinGen allele CA2370081.
Genomic context (GRCh38, chr3:47,847,902, plus strand): 5'-GCGCAAGATTGTCTTGGCCACCAACATTGCTGAGACTTCCATCACAATCAATGACATCGT[G>C]CATGTGGTGGACAGTGGGCTGCACAAGGAAGAACGCTATGACCTGAAGACCAAGGTGGCA-3'
Protein context (NP_619520.1, residues 734-754): AETSITINDI[Val744=]HVVDSGLHKE

ClinVar aggregate classification (germline): Likely benign (0 of 4 stars; one submission).

Conditions:
DHX30-related disorder. Also called: DHX30-related condition.

Allele frequency attached by ClinVar (database versions not stated): gnomAD exomes 0.00009; ExAC 0.00028; ESP Exome Variant Server 0.00077; 1000 Genomes Project 30x 0.00078; 1000 Genomes Project 0.00080; gnomAD 0.00096; TOPMed 0.00110.
gnomAD v4.1: 280 of 1,614,202 alleles (0.017%); highest among the groups gnomAD compares: African/African-American, 0.35%; 1 homozygote.

Submission:

PreventionGenetics, part of Exact Sciences
Classification: Likely benign for DHX30-related condition. Last evaluated: 2019-04-26. Review status: no assertion criteria provided. Collection method: clinical testing. Allele origin: germline.
Comment: This variant is classified as likely benign based on ACMG/AMP sequence variant interpretation guidelines (Richards et al. 2015 PMID: 25741868, with internal and published modifications).